The following is an entry in ClinVar:

NM_000513.2(OPN1MW):c.888C>T (p.Gly296=)

Gene: OPN1MW (opsin 1, medium wave sensitive; plus strand). Cytogenetic location: Xq28.
Variant type: single nucleotide variant.
Coding change: c.888C>T on transcript NM_000513.2 (MANE Select); coding-DNA position 888, C replaced by T.
Protein change: p.Gly296=; no amino-acid change (glycine 296 retained).
Molecular consequence: synonymous variant.
Genome position (GRCh38, 1-based): chrX:154,193,551, C>T. VCF-style: chrX-154193551-C-T. GRCh37 (hg19) VCF-style: chrX-153459042-C-T.
Identifiers: ClinVar variation 3770852 (VCV003770852.13).

ClinVar aggregate classification (germline): Likely benign (1 of 4 stars; one submission).

Submission:

CeGaT Center for Human Genetics Tuebingen
Classification: Likely benign. Last evaluated: 2025-02-01. Review status: criteria provided, single submitter. Criteria: CeGaT Center For Human Genetics Tuebingen Variant Classification Criteria Version 2. Collection method: clinical testing. Allele origin: germline. Affected: yes. Observed: 1 variant allele.
Comment: OPN1MW: BP4, BP7